The following is an entry in ClinVar:

NM_130384.3(ATRIP):c.2164G>A (p.Asp722Asn)

Genes: ATRIP (ATR interacting protein; plus strand), ATRIP-TREX1 (ATRIP-TREX1 readthrough; plus strand). Cytogenetic location: 3p21.31.
Variant type: single nucleotide variant.
Coding change: c.2164G>A on transcript NM_130384.3 (MANE Select); coding-DNA position 2164, G replaced by A.
Protein change: p.Asp722Asn; replaces aspartic acid 722 with asparagine.
Molecular consequence: missense variant. On other transcripts: non-coding transcript variant (1).
Genome position (GRCh38, 1-based): chr3:48,464,939, G>A. VCF-style: chr3-48464939-G-A. GRCh37 (hg19) VCF-style: chr3-48506338-G-A.
Other names: c.1783G>A, p.Asp595Asn (NM_001271022.2); c.1885G>A, p.Asp629Asn (NM_001271023.2); c.2083G>A, p.Asp695Asn (NM_032166.4); short protein forms D595N, D629N, D695N, D722N.
Identifiers: ClinVar variation 3463843 (VCV003463843.2).

ClinVar aggregate classification (germline): Uncertain significance. Review status: criteria provided, multiple submitters, no conflicts (2 of 4 stars). 2 submissions from 2 submitters: Uncertain significance (2). Last evaluated 2024-10-15.

gnomAD v4.1: 21 of 1,614,046 alleles (0.0013%); highest among the groups gnomAD compares: South Asian, 0.0077%; no homozygotes.

Submissions (2):

Ambry Genetics
Classification: Uncertain significance. Last evaluated: 2024-10-15. Review status: criteria provided, single submitter. Criteria: Ambry Variant Classification Scheme 2023. Collection method: clinical testing. Allele origin: germline.
Comment: The p.D722N variant (also known as c.2164G>A), located in coding exon 12 of the ATRIP gene, results from a G to A substitution at nucleotide position 2164. The aspartic acid at codon 722 is replaced by asparagine, an amino acid with highly similar properties. This amino acid position is conserved. In addition, this alteration is predicted to be tolerated by in silico analysis. Based on the available evidence, the clinical significance of this variant remains unclear.

Labcorp Genetics (formerly Invitae), Labcorp
Classification: Uncertain significance. Last evaluated: 2024-10-15. Review status: criteria provided, single submitter. Criteria: Invitae Variant Classification Sherloc (09022015). Collection method: clinical testing. Allele origin: germline.
Comment: This sequence change replaces aspartic acid, which is acidic and polar, with asparagine, which is neutral and polar, at codon 722 of the ATRIP protein (p.Asp722Asn). This variant is present in population databases (rs201865008, gnomAD 0.01%). This variant has not been reported in the literature in individuals affected with ATRIP-related conditions. An algorithm developed to predict the effect of missense changes on protein structure and function (PolyPhen-2) suggests that this variant¬†is likely to be tolerated. In summary, the available evidence is currently insufficient to determine the role of this variant in disease. Therefore, it has been classified as a Variant of Uncertain Significance.